The following is an entry in ClinVar:

NM_001127511.3(APC):c.165+26986G>A

Gene: APC (APC regulator of Wnt signaling pathway; plus strand). Cytogenetic location: 5q22.2.
Variant type: single nucleotide variant.
Coding change: c.165+26986G>A on transcript NM_001127511.3; 26986 bases into the intron after coding-DNA position 165, G replaced by A.
Molecular consequence: intron variant.
Genome position (GRCh38, 1-based): chr5:112,734,868, G>A. VCF-style: chr5-112734868-G-A. GRCh37 (hg19) VCF-style: chr5-112070565-G-A.
Other names: c.-1053-20005G>A (NM_001407470.1, NM_001407472.1); c.-18-20005G>A (NM_001407447.1, NM_001354895.2, NM_001407456.1 and 7 more transcripts); c.165+26986G>A (NM_001407446.1, NM_001354897.2, NM_001354902.2); c.-43+27219G>A (NM_001407453.1).
Identifiers: ClinVar variation 82723 (VCV000082723.4), dbSNP rs76512527, ClinGen allele CA023601.

ClinVar aggregate classification (germline): other (0 of 4 stars; one submission).

Conditions:
Familial colorectal cancer. Identifiers: MedGen CN280943, MONDO:0023113. Disease mechanism: loss of function.

Allele frequency attached by ClinVar (database versions not stated): TOPMed 0.00084; 1000 Genomes Project 30x 0.00297; 1000 Genomes Project 0.00240; gnomAD 0.00051 and 0.00063.
gnomAD v4.1: 94 of 149,774 alleles (0.063%); highest among the groups gnomAD compares: East Asian, 1.7%; 1 homozygote.

Submission:

Systems Biology Platform Zhejiang California International NanoSystems Institute
Classification: other for Familial colorectal cancer. Review status: no assertion criteria provided. Collection method: not provided. Allele origin: unknown.
ClinVar note: Converted during submission from cancer to other.